The following is an entry in ClinVar:

NM_004415.4(DSP):c.2567T>C (p.Phe856Ser)

Gene: DSP (desmoplakin; plus strand). Cytogenetic location: 6p24.3.
Variant type: single nucleotide variant.
Coding change: c.2567T>C on transcript NM_004415.4 (MANE Select); coding-DNA position 2567, T replaced by C.
Protein change: p.Phe856Ser; replaces phenylalanine 856 with serine.
Molecular consequence: missense variant.
Genome position (GRCh38, 1-based): chr6:7,575,425, T>C. VCF-style: chr6-7575425-T-C. GRCh37 (hg19) VCF-style: chr6-7575658-T-C.
Other names: c.2567T>C, p.Phe856Ser (NM_001008844.3, NM_001319034.2); short protein forms F856S.
Identifiers: ClinVar variation 3754758 (VCV003754758.2).

ClinVar aggregate classification (germline): Uncertain significance (1 of 4 stars; one submission).

Conditions:
Arrhythmogenic cardiomyopathy with wooly hair and keratoderma. Also called: Dilated cardiomyopathy with woolly hair and keratoderma; PALMOPLANTAR KERATODERMA WITH LEFT VENTRICULAR CARDIOMYOPATHY AND WOOLLY HAIR; Carvajal syndrome; Arrhythmogenic cardiomyopathy with woolly hair and keratoderma. Identifiers: Orphanet 65282, MedGen C1854063, MONDO:0011581, OMIM 605676.
Arrhythmogenic right ventricular dysplasia 8 (ARVD8). Also called: Arrhythmogenic Right Ventricular Dysplasia/Cardiomyopathy 8; ARRHYTHMOGENIC RIGHT VENTRICULAR DYSPLASIA, FAMILIAL, 8; ARRHYTHMOGENIC RIGHT VENTRICULAR CARDIOMYOPATHY 8. Identifiers: MedGen C1843896, MONDO:0011831, OMIM 607450.

Submission:

Labcorp Genetics (formerly Invitae), Labcorp
Classification: Uncertain significance for Arrhythmogenic cardiomyopathy with wooly hair and keratoderma; Arrhythmogenic right ventricular dysplasia 8. Last evaluated: 2024-02-22. Review status: criteria provided, single submitter. Criteria: Invitae Variant Classification Sherloc (09022015). Collection method: clinical testing. Allele origin: germline.
Comment: This sequence change replaces phenylalanine, which is neutral and non-polar, with serine, which is neutral and polar, at codon 856 of the DSP protein (p.Phe856Ser). This variant is not present in population databases (gnomAD no frequency). This variant has not been reported in the literature in individuals affected with DSP-related conditions. An algorithm developed to predict the effect of missense changes on protein structure and function (PolyPhen-2) suggests that this variant is likely to be disruptive. In summary, the available evidence is currently insufficient to determine the role of this variant in disease. Therefore, it has been classified as a Variant of Uncertain Significance.